The following is an entry in ClinVar:

NM_003392.7(WNT5A):c.303C>T (p.Ile101=)

Gene: WNT5A (Wnt family member 5A; minus strand). Cytogenetic location: 3p14.3.
Variant type: single nucleotide variant.
Coding change: c.303C>T on transcript NM_003392.7 (MANE Select); coding-DNA position 303, C replaced by T.
Protein change: p.Ile101=; no amino-acid change (isoleucine 101 retained).
Molecular consequence: synonymous variant.
Genome position (GRCh38, 1-based): chr3:55,479,402, G>A on the plus strand (C>T on the coding strand, the complement: WNT5A is on the minus strand). VCF-style: chr3-55479402-G-A. GRCh37 (hg19) VCF-style: chr3-55513430-G-A.
Other names: c.303C>T (NM_003392.4); c.258C>T, p.Ile86= (NM_001256105.1, NM_001377271.1, NM_001377272.1).
Identifiers: ClinVar variation 1142859 (VCV001142859.10), dbSNP rs2106945723, ClinGen allele CA434138375.

ClinVar aggregate classification (germline): Likely benign. Review status: criteria provided, multiple submitters, no conflicts (2 of 4 stars). 3 submissions from 3 submitters: Likely benign (2). 1 of the submissions does not count toward it. Last evaluated 2021-08-13.

Conditions:
WNT5A-related disorder. Also called: WNT5A-related condition.

Submissions (3):

Blueprint Genetics
Classification: Likely benign. Last evaluated: 2021-08-13. Review status: criteria provided, single submitter. Criteria: ACMG Guidelines, 2015. Collection method: clinical testing. Allele origin: germline.

Labcorp Genetics (formerly Invitae), Labcorp
Classification: Likely benign. Last evaluated: 2020-07-16. Review status: criteria provided, single submitter. Criteria: Invitae Variant Classification Sherloc (09022015). Collection method: clinical testing. Allele origin: germline.

PreventionGenetics, part of Exact Sciences
Classification: Likely benign for WNT5A-related condition. Last evaluated: 2023-08-17. Review status: no assertion criteria provided. Collection method: clinical testing. Allele origin: germline. Not counted in ClinVar's aggregate classification.
Comment: This variant is classified as likely benign based on ACMG/AMP sequence variant interpretation guidelines (Richards et al. 2015 PMID: 25741868, with internal and published modifications).